The following is an entry in ClinVar:

ClinVar aggregate classification (germline): Uncertain significance. Review status: criteria provided, multiple submitters, no conflicts (2 of 4 stars). 2 submissions from 2 submitters: Uncertain significance (2). Last evaluated 2025-12-21.

Allele frequency attached by ClinVar (database versions not stated): ExAC 0.00003; gnomAD exomes 0.00005 and 0.00013; gnomAD 0.00008; TOPMed 0.00011; 1000 Genomes Project 30x 0.00016; 1000 Genomes Project 0.00020.
gnomAD v4.1: 192 of 1,611,232 alleles (0.012%); highest among the groups gnomAD compares: Non-Finnish European, 0.016%; no homozygotes.

Submissions (2):

Labcorp Genetics (formerly Invitae), Labcorp
Classification: Uncertain significance. Last evaluated: 2025-12-21. Review status: criteria provided, single submitter. Criteria: Invitae Variant Classification Sherloc (09022015). Collection method: clinical testing. Allele origin: germline.
Comment: This sequence change replaces glutamic acid, which is acidic and polar, with glutamine, which is neutral and polar, at codon 186 of the MYLK3 protein (p.Glu186Gln). This variant is present in population databases (rs55813660, gnomAD 0.01%). This variant has not been reported in the literature in individuals affected with MYLK3-related conditions. ClinVar contains an entry for this variant (Variation ID: 1499773). An algorithm developed to predict the effect of missense changes on protein structure and function (PolyPhen-2) suggests that this variant is likely to be tolerated. In summary, the available evidence is currently insufficient to determine the role of this variant in disease. Therefore, it has been classified as a Variant of Uncertain Significance.

Ambry Genetics
Classification: Uncertain significance. Last evaluated: 2024-11-11. Review status: criteria provided, single submitter. Criteria: Ambry Variant Classification Scheme 2023. Collection method: clinical testing. Allele origin: germline.

NM_182493.3(MYLK3):c.556G>C (p.Glu186Gln)

Gene: MYLK3 (myosin light chain kinase 3; minus strand). Cytogenetic location: 16q11.2.
Variant type: single nucleotide variant.
Coding change: c.556G>C on transcript NM_182493.3 (MANE Select); coding-DNA position 556, G replaced by C.
Protein change: p.Glu186Gln; replaces glutamic acid 186 with glutamine.
Molecular consequence: missense variant. On other transcripts: 5 prime UTR variant (1).
Genome position (GRCh38, 1-based): chr16:46,740,069, C>G on the plus strand (G>C on the coding strand, the complement: MYLK3 is on the minus strand). VCF-style: chr16-46740069-C-G. GRCh37 (hg19) VCF-style: chr16-46773981-C-G.
Other names: c.-35G>C (NM_001308301.1); c.556G>C (NM_182493.2); short protein forms E186Q.
Identifiers: ClinVar variation 1499773 (VCV001499773.7), dbSNP rs55813660, ClinGen allele CA8038213.
Genomic context (GRCh38, chr16:46,740,069, plus strand): 5'-AGCTGTTGTGTCTGCAATGTTAGATAAAGCAAATGGGGTCCCACTCACCTTCCCCAGGCT[C>G]CCTGGCATCAGACTGCACCCCACTGGTGCTCAGCACATGCTTTGGTTTTCCTCCCTCTTC-3'
Protein context (NP_872299.2, residues 176-196): STSGVQSDAR[Glu186Gln]PGEESQKADV